The following is an entry in ClinVar:

NM_001370259.2(MEN1):c.1054_1056del (p.Asn352del)

Gene: MEN1 (menin 1; minus strand). Cytogenetic location: 11q13.1.
Variant type: Deletion.
Coding change: c.1054_1056del on transcript NM_001370259.2 (MANE Select); coding-DNA positions 1054 to 1056, 3 bases deleted (AAC; older notation c.1054_1056delAAC).
Protein change: p.Asn352del; deletes asparagine 352.
Molecular consequence: inframe deletion.
Genome position (GRCh38, 1-based): chr11:64,805,764-64,805,766, GTT deleted on the plus strand (AAC on the coding strand, the reverse complement: MEN1 is on the minus strand); deleting any 3 consecutive bases within chr11:64,805,764-64,805,768 gives the same sequence; the c. name uses the placement nearest the transcript's 3' end. VCF-style (leftmost placement, unchanged base first): chr11-64805763-AGTT-A. GRCh37 (hg19) VCF-style: chr11-64573235-AGTT-A.
Other names: c.1054_1056del, p.Asn352del (NM_001370260.2, NM_001370261.2, NM_130799.3); c.949_951del, p.Asn317del (NM_001370262.2, NM_001370263.2); c.1069_1071del, p.Asn357del (NM_130800.3, NM_130801.3, NM_130802.3 and 3 more transcripts); c.1180_1182del, p.Asn394del (NM_001370251.2); short protein forms N317del, N352del, N357del, N394del.
Identifiers: ClinVar variation 1312598 (VCV001312598.5), dbSNP rs2136111453, ClinGen allele CA2573053537.

ClinVar aggregate classification (germline): Uncertain significance. Review status: criteria provided, multiple submitters, no conflicts (2 of 4 stars). 2 submissions from 2 submitters: Uncertain significance (2). Last evaluated 2024-02-02.

Conditions:
Multiple endocrine neoplasia, type 1 (MEN1). Also called: MEN I; WERMER SYNDROME; Endocrine adenomatosis multiple; MEN 1; MEA I. Identifiers: Orphanet 652, MedGen C0025267, MeSH D018761, MONDO:0007540, OMIM 131100.

Submissions (2):

Labcorp Genetics (formerly Invitae), Labcorp
Classification: Uncertain significance for Multiple endocrine neoplasia, type 1. Last evaluated: 2024-02-02. Review status: criteria provided, single submitter. Criteria: Invitae Variant Classification Sherloc (09022015). Collection method: clinical testing. Allele origin: germline.
Comment: This variant, c.1054_1056del, results in the deletion of 1 amino acid(s) of the MEN1 protein (p.Asn352del), but otherwise preserves the integrity of the reading frame. This variant is not present in population databases (gnomAD no frequency). This variant has not been reported in the literature in individuals affected with MEN1-related conditions. ClinVar contains an entry for this variant (Variation ID: 1312598). In summary, the available evidence is currently insufficient to determine the role of this variant in disease. Therefore, it has been classified as a Variant of Uncertain Significance.

GeneDx
Classification: Uncertain significance. Last evaluated: 2020-03-24. Review status: criteria provided, single submitter. Criteria: GeneDx Variant Classification Process June 2021. Collection method: clinical testing. Allele origin: germline. Affected: yes.
Comment: In-frame deletion of one amino acid in a non-repeat region; Has not been previously published as pathogenic or benign to our knowledge; In silico analysis supports a deleterious effect on protein structure/function; Not observed in large population cohorts (Lek 2016)